The following is an entry in ClinVar:

NM_015909.4(NBAS):c.6781G>A (p.Glu2261Lys)

Gene: NBAS (NBAS subunit of NRZ tethering complex; minus strand). Cytogenetic location: 2p24.3.
Variant type: single nucleotide variant.
Coding change: c.6781G>A on transcript NM_015909.4 (MANE Select); coding-DNA position 6781, G replaced by A.
Protein change: p.Glu2261Lys; replaces glutamic acid 2261 with lysine.
Molecular consequence: missense variant. On other transcripts: non-coding transcript variant (1).
Genome position (GRCh38, 1-based): chr2:15,179,047, C>T on the plus strand (G>A on the coding strand, the complement: NBAS is on the minus strand). VCF-style: chr2-15179047-C-T. GRCh37 (hg19) VCF-style: chr2-15319171-C-T.
Other names: short protein forms E2261K.
Identifiers: ClinVar variation 1447677 (VCV001447677.8), dbSNP rs375854696, ClinGen allele CA1534885.

ClinVar aggregate classification (germline): Uncertain significance (1 of 4 stars; one submission).

Allele frequency attached by ClinVar (database versions not stated): gnomAD 0.00001; ExAC 0.00002; gnomAD exomes 0.00002; TOPMed 0.00002.
gnomAD v4.1: 32 of 1,613,894 alleles (0.002%); highest among the groups gnomAD compares: South Asian, 0.0077%; no homozygotes.

Submissions (2):

Labcorp Genetics (formerly Invitae), Labcorp
Classification: Uncertain significance. Last evaluated: 2024-12-16. Review status: criteria provided, single submitter. Criteria: Invitae Variant Classification Sherloc (09022015). Collection method: clinical testing. Allele origin: germline.
Comment: This sequence change replaces glutamic acid, which is acidic and polar, with lysine, which is basic and polar, at codon 2261 of the NBAS protein (p.Glu2261Lys). This variant is present in population databases (rs375854696, gnomAD 0.003%). This variant has not been reported in the literature in individuals affected with NBAS-related conditions. ClinVar contains an entry for this variant (Variation ID: 1447677). Invitae Evidence Modeling of protein sequence and biophysical properties (such as structural, functional, and spatial information, amino acid conservation, physicochemical variation, residue mobility, and thermodynamic stability) indicates that this missense variant is not expected to disrupt NBAS protein function with a negative predictive value of 95%. In summary, the available evidence is currently insufficient to determine the role of this variant in disease. Therefore, it has been classified as a Variant of Uncertain Significance.

Dr. Peter K. Rogan Lab, Western University
No classification provided (evidence only). Condition: Gastric cancer. Review status: no classification provided. Collection method: in vitro. Allele origin: not applicable. Functional consequence: retained intron. Not counted in ClinVar's aggregate classification.